The following is an entry in ClinVar:

NM_015272.5(RPGRIP1L):c.757C>T (p.Gln253Ter)

Gene: RPGRIP1L (RPGRIP1 like; minus strand). Cytogenetic location: 16q12.2.
Variant type: single nucleotide variant.
Coding change: c.757C>T on transcript NM_015272.5 (MANE Select); coding-DNA position 757, C replaced by T.
Protein change: p.Gln253Ter; replaces glutamine 253 with a stop codon.
Molecular consequence: nonsense.
Genome position (GRCh38, 1-based): chr16:53,686,452, G>A on the plus strand (C>T on the coding strand, the complement: RPGRIP1L is on the minus strand). VCF-style: chr16-53686452-G-A. GRCh37 (hg19) VCF-style: chr16-53720364-G-A.
Other names: c.757C>T (NM_015272.4); c.757C>T, p.Gln253Ter (NM_001127897.4, NM_001308334.3, NM_001330538.2); short protein forms Q253*.
Identifiers: ClinVar variation 1070 (VCV000001070.16), dbSNP rs121918199, ClinGen allele CA251691.

ClinVar aggregate classification (germline): Pathogenic. Review status: criteria provided, multiple submitters, no conflicts (2 of 4 stars). 5 submissions from 5 submitters: Pathogenic (4). 1 of the submissions does not count toward it. Last evaluated 2025-10-15.

Conditions:
Joubert syndrome 7 (JBTS7). Identifiers: Orphanet 220497, MedGen C1969053, MONDO:0012694, OMIM 611560.
Meckel syndrome, type 5 (MKS5). Identifiers: Orphanet 564, MedGen C1969052, MONDO:0012695, OMIM 611561.
COACH syndrome 3. Identifiers: MedGen C5436841, MONDO:0030862, OMIM 619113.
Joubert syndrome. Also called: CEREBELLOPARENCHYMAL DISORDER IV; JOUBERT-BOLTSHAUSER SYNDROME; Familial aplasia of the vermis. Identifiers: Orphanet 475, MedGen C5979921, MONDO:0018772.
Meckel-Gruber syndrome. Also called: DYSENCEPHALIA SPLANCHNOCYSTICA; Dysencephalia splachnocystica; GRUBER SYNDROME. Identifiers: Orphanet 564, MedGen C0265215, MONDO:0018921.
Joubert syndrome and related disorders. Identifiers: Orphanet 140874, MedGen C5679612, MONDO:0015369.

Allele frequency attached by ClinVar (database versions not stated): gnomAD exomes below 0.00001; ExAC 0.00001.

Submissions (5):

Natera, Inc.
Classification: Pathogenic for Joubert syndrome. Last evaluated: 2025-10-15. Review status: criteria provided, single submitter. Criteria: Natera Variant Classification Schema (03/2026). Collection method: clinical testing. Allele origin: germline.
Comment: The c.757C>T variant in RPGRIP1L is a nonsense variant predicted to introduce a stop codon at amino acid 253. This variant is expected to result in nonsense mediated decay, truncation, or a dysfunctional protein product. This variant is rare in the general population with a frequency below the threshold expected for the associated phenotype(s). This variant has been observed in one or more individuals affected with the associated recessive disease, as either homozygous or compound heterozygous with a second variant (PMID: 17558409). Given the available evidence, this variant is classified as Pathogenic.

Labcorp Genetics (formerly Invitae), Labcorp
Classification: Pathogenic for Joubert syndrome; Meckel-Gruber syndrome. Last evaluated: 2025-02-19. Review status: criteria provided, single submitter. Criteria: Invitae Variant Classification Sherloc (09022015). Collection method: clinical testing. Allele origin: germline.
Comment: This sequence change creates a premature translational stop signal (p.Gln253*) in the RPGRIP1L gene. It is expected to result in an absent or disrupted protein product. Loss-of-function variants in RPGRIP1L are known to be pathogenic (PMID: 17558409). This variant is present in population databases (rs121918199, gnomAD 0.0009%). This premature translational stop signal has been observed in individual(s) with Joubert syndrome type B (PMID: 17558409). ClinVar contains an entry for this variant (Variation ID: 1070). For these reasons, this variant has been classified as Pathogenic.

Fulgent Genetics
Classification: Pathogenic for Joubert syndrome 7; Meckel syndrome, type 5; COACH syndrome 3. Last evaluated: 2024-03-08. Review status: criteria provided, single submitter. Criteria: ACMG Guidelines, 2015. Collection method: clinical testing. Allele origin: germline.

Women's Health and Genetics/Laboratory Corporation of America, LabCorp
Classification: Pathogenic for Joubert syndrome and related disorders. Last evaluated: 2023-10-25. Review status: criteria provided, single submitter. Criteria: LabCorp Variant Classification Summary - May 2015. Collection method: clinical testing. Allele origin: germline.
Comment: Variant summary: RPGRIP1L c.757C>T (p.Gln253X) results in a premature termination codon, predicted to cause absence of the protein due to nonsense mediated decay, which is a commonly known mechanism for disease. The variant allele was found at a frequency of 4e-06 in 250894 control chromosomes (gnomAD). c.757C>T has been reported in the literature in individuals affected with Joubert Syndrome (e.g. Ying_2022). The following publication has been ascertained in the context of this evaluation (PMID: 35858853). Two submitters have cited clinical-significance assessments for this variant to ClinVar after 2014. Both submitters classified the variant as pathogenic. Based on the evidence outlined above, the variant was classified as pathogenic.

OMIM
Classification: Pathogenic for JOUBERT SYNDROME 7. Last evaluated: 2007-07-01. Review status: no assertion criteria provided. Collection method: literature only. Allele origin: germline. Not counted in ClinVar's aggregate classification.

Literature cited by the submitters: PubMed 17558409 (cited by 3 submitters); PubMed 35858853 (cited by Women's Health and Genetics/Laboratory Corporation of America, LabCorp).